The following is an entry in ClinVar:

ClinVar aggregate classification (germline): Uncertain significance (1 of 4 stars; one submission).

Conditions:
Candidiasis, familial, 9 (CANDF9). Identifiers: Orphanet 1334, MedGen C4225324, MONDO:0014642, OMIM 616445.

Submission:

Labcorp Genetics (formerly Invitae), Labcorp
Classification: Uncertain significance for Candidiasis, familial, 9. Last evaluated: 2023-04-24. Review status: criteria provided, single submitter. Criteria: Invitae Variant Classification Sherloc (09022015). Collection method: clinical testing. Allele origin: germline.
Comment: This sequence change replaces leucine, which is neutral and non-polar, with phenylalanine, which is neutral and non-polar, at codon 454 of the IL17RC protein (p.Leu454Phe). This variant is not present in population databases (gnomAD no frequency). In summary, the available evidence is currently insufficient to determine the role of this variant in disease. Therefore, it has been classified as a Variant of Uncertain Significance. An algorithm developed to predict the effect of missense changes on protein structure and function (PolyPhen-2) suggests that this variant is likely to be disruptive. ClinVar contains an entry for this variant (Variation ID: 1718569). This variant has not been reported in the literature in individuals affected with IL17RC-related conditions.

NM_153460.4(IL17RC):c.1149G>T (p.Leu383Phe)

Gene: IL17RC (interleukin 17 receptor C; plus strand). Cytogenetic location: 3p25.3.
Variant type: single nucleotide variant.
Coding change: c.1149G>T on transcript NM_153460.4 (MANE Select); coding-DNA position 1149, G replaced by T.
Protein change: p.Leu383Phe; replaces leucine 383 with phenylalanine.
Molecular consequence: missense variant. On other transcripts: non-coding transcript variant (1).
Genome position (GRCh38, 1-based): chr3:9,929,890, G>T. VCF-style: chr3-9929890-G-T. GRCh37 (hg19) VCF-style: chr3-9971574-G-T.
Other names: c.1053G>T, p.Leu351Phe (NM_001203265.2, NM_001410711.1); c.1110G>T, p.Leu370Phe (NM_001367278.1); c.1029G>T, p.Leu343Phe (NM_001367279.1); c.1104G>T, p.Leu368Phe (NM_001367280.1, NM_032732.6); c.1362G>T, p.Leu454Phe (NM_153461.4); c.1149G>T, p.Leu383Phe (NM_001203263.2); c.1098G>T, p.Leu366Phe (NM_001203264.2); short protein forms L343F, L351F, L366F, L368F, L370F, L383F, L454F.
Identifiers: ClinVar variation 1718569 (VCV001718569.5), dbSNP rs2470346609, ClinGen allele CA351698050.